The following is an entry in ClinVar:

NM_000070.3(CAPN3):c.1419C>G (p.Asp473Glu)

Gene: CAPN3 (calpain 3; plus strand). Cytogenetic location: 15q15.1.
Variant type: single nucleotide variant.
Coding change: c.1419C>G on transcript NM_000070.3 (MANE Select); coding-DNA position 1419, C replaced by G.
Protein change: p.Asp473Glu; replaces aspartic acid 473 with glutamic acid.
Molecular consequence: missense variant.
Genome position (GRCh38, 1-based): chr15:42,401,705, C>G. VCF-style: chr15-42401705-C-G. GRCh37 (hg19) VCF-style: chr15-42693903-C-G.
Other names: c.1419C>G, p.Asp473Glu (NM_024344.2); c.1275C>G, p.Asp425Glu (NM_173087.2); c.1158C>G, p.Asp386Glu (NM_212464.2); c.*1112C>G (NM_212467.2); short protein forms D386E, D425E, D473E.
Identifiers: ClinVar variation 2827213 (VCV002827213.3), dbSNP rs2053874750, ClinGen allele CA391999805.

ClinVar aggregate classification (germline): Uncertain significance (1 of 4 stars; one submission).

Conditions:
Autosomal recessive limb-girdle muscular dystrophy type 2A (LGMDR1). Also called: LEYDEN-MOEBIUS MUSCULAR DYSTROPHY; MUSCULAR DYSTROPHY, PELVOFEMORAL; Limb-girdle muscular dystrophy, type 2A; Muscular dystrophy, limb-girdle, type 2A, Amish; Calpainopathy. Identifiers: Orphanet 267, MedGen C1869123, MONDO:0009675, OMIM 253600. Disease mechanism: loss of function.

Submission:

Labcorp Genetics (formerly Invitae), Labcorp
Classification: Uncertain significance for Autosomal recessive limb-girdle muscular dystrophy type 2A. Last evaluated: 2023-04-28. Review status: criteria provided, single submitter. Criteria: Invitae Variant Classification Sherloc (09022015). Collection method: clinical testing. Allele origin: germline.
Comment: This sequence change replaces aspartic acid, which is acidic and polar, with glutamic acid, which is acidic and polar, at codon 473 of the CAPN3 protein (p.Asp473Glu). This variant is not present in population databases (gnomAD no frequency). This variant has not been reported in the literature in individuals affected with CAPN3-related conditions. Advanced modeling of protein sequence and biophysical properties (such as structural, functional, and spatial information, amino acid conservation, physicochemical variation, residue mobility, and thermodynamic stability) performed at Invitae indicates that this missense variant is not expected to disrupt CAPN3 protein function. In summary, the available evidence is currently insufficient to determine the role of this variant in disease. Therefore, it has been classified as a Variant of Uncertain Significance.